The following is an entry in ClinVar:

NM_001354604.2(MITF):c.1210C>T (p.Leu404Phe)

Gene: MITF (melanocyte inducing transcription factor; plus strand). Cytogenetic location: 3p13.
Variant type: single nucleotide variant.
Coding change: c.1210C>T on transcript NM_001354604.2 (MANE Select); coding-DNA position 1210, C replaced by T.
Protein change: p.Leu404Phe; replaces leucine 404 with phenylalanine.
Molecular consequence: missense variant.
Genome position (GRCh38, 1-based): chr3:69,964,877, C>T. VCF-style: chr3-69964877-C-T. GRCh37 (hg19) VCF-style: chr3-70014028-C-T.
Other names: c.889C>T, p.Leu297Phe (NM_000248.4); c.1036C>T, p.Leu346Phe (NM_001184967.2, NM_001354608.2); c.1207C>T, p.Leu403Phe (NM_001354605.2); c.1189C>T, p.Leu397Phe (NM_001354606.2, NM_006722.3); c.1141C>T, p.Leu381Phe (NM_001354607.2); c.871C>T, p.Leu291Phe (NM_198158.3); c.1192C>T, p.Leu398Phe (NM_198159.3); c.1144C>T, p.Leu382Phe (NM_198177.3); and 1 more; short protein forms L382F, L403F, L397F, L404F, L235F, L291F, L297F, L346F.
Identifiers: ClinVar variation 2938445 (VCV002938445.3), dbSNP rs747880219, ClinGen allele CA2490624.

ClinVar aggregate classification (germline): Uncertain significance. Review status: criteria provided, multiple submitters, no conflicts (2 of 4 stars). 2 submissions from 2 submitters: Uncertain significance (2). Last evaluated 2025-04-09.

Conditions:
Tietz syndrome (TADS). Also called: ALBINISM-DEAFNESS OF TIETZ; HYPOPIGMENTATION/DEAFNESS OF TIETZ; TIETZ ALBINISM-DEAFNESS SYNDROME. Identifiers: Orphanet 42665, MedGen C0391816, MONDO:0007077, OMIM 103500.
Waardenburg syndrome type 2A (WS2A). Also called: WAARDENBURG SYNDROME WITHOUT DYSTOPIA CANTHORUM. Identifiers: Orphanet 3440, MedGen C1860339, MONDO:0008671, OMIM 193510.
Melanoma, cutaneous malignant, susceptibility to, 8. Also called: MELANOMA AND RENAL CELL CARCINOMA, SUSCEPTIBILITY TO; Cutaneous malignant melanoma 8. Identifiers: Orphanet 293822, MedGen C3152204, MONDO:0013759, OMIM 614456.
Hereditary cancer-predisposing syndrome. Also called: Hereditary Cancer Syndrome; Neoplastic Syndromes, Hereditary; Tumor predisposition; Hereditary neoplastic syndrome. Identifiers: Orphanet 140162, MedGen C0027672, MeSH D009386, MONDO:0015356.

Allele frequency attached by ClinVar (database versions not stated): TOPMed below 0.00001; ExAC 0.00001.

Submissions (2):

Ambry Genetics
Classification: Uncertain significance for Hereditary cancer-predisposing syndrome. Last evaluated: 2025-04-09. Review status: criteria provided, single submitter. Criteria: Ambry Variant Classification Scheme 2023. Collection method: clinical testing. Allele origin: germline.
Comment: The p.L297F variant (also known as c.889C>T), located in coding exon 9 of the MITF gene, results from a C to T substitution at nucleotide position 889. The leucine at codon 297 is replaced by phenylalanine, an amino acid with highly similar properties. This amino acid position is conserved. In addition, the in silico prediction for this alteration is inconclusive. Based on the available evidence, the clinical significance of this variant remains unclear.

Labcorp Genetics (formerly Invitae), Labcorp
Classification: Uncertain significance for Melanoma, cutaneous malignant, susceptibility to, 8; Waardenburg syndrome type 2A; Tietz syndrome. Last evaluated: 2025-01-29. Review status: criteria provided, single submitter. Criteria: Invitae Variant Classification Sherloc (09022015). Collection method: clinical testing. Allele origin: germline.
Comment: This sequence change replaces leucine, which is neutral and non-polar, with phenylalanine, which is neutral and non-polar, at codon 297 of the MITF protein (p.Leu297Phe). This variant is present in population databases (rs747880219, gnomAD 0.01%). This variant has not been reported in the literature in individuals affected with MITF-related conditions. ClinVar contains an entry for this variant (Variation ID: 2938445). Invitae Evidence Modeling of protein sequence and biophysical properties (such as structural, functional, and spatial information, amino acid conservation, physicochemical variation, residue mobility, and thermodynamic stability) has been performed for this missense variant. However, the output from this modeling did not meet the statistical confidence thresholds required to predict the impact of this variant on MITF protein function. In summary, the available evidence is currently insufficient to determine the role of this variant in disease. Therefore, it has been classified as a Variant of Uncertain Significance.